The following is an entry in ClinVar:

NM_002465.4(MYBPC1):c.17A>T (p.Lys6Met)

Gene: MYBPC1 (myosin binding protein C1; plus strand). Cytogenetic location: 12q23.2.
Variant type: single nucleotide variant.
Coding change: c.17A>T on transcript NM_002465.4 (MANE Select); coding-DNA position 17, A replaced by T.
Protein change: p.Lys6Met; replaces lysine 6 with methionine.
Molecular consequence: missense variant.
Genome position (GRCh38, 1-based): chr12:101,595,087, A>T. VCF-style: chr12-101595087-A-T. GRCh37 (hg19) VCF-style: chr12-101988865-A-T.
Other names: c.17A>T, p.Lys6Met (NM_001254718.3, NM_001254719.3, NM_001254720.3 and 13 more transcripts); short protein forms K6M.
Identifiers: ClinVar variation 306707 (VCV000306707.10), dbSNP rs201472372, ClinGen allele CA6744312.

ClinVar aggregate classification (germline): Conflicting classifications of pathogenicity. Review status: criteria provided, conflicting classifications (1 of 4 stars). 3 submissions from 3 submitters: Uncertain significance (1); Benign (1). 1 of the submissions does not count toward it. Last evaluated 2025-05-30.

Conditions:
MYBPC1-related disorder. Also called: MYBPC1-related condition.
Arthrogryposis, distal, type 1B. Identifiers: Orphanet 1146, MedGen C3280526, MONDO:0013698, OMIM 614335.

Allele frequency attached by ClinVar (database versions not stated): 1000 Genomes Project 30x 0.00016; 1000 Genomes Project 0.00020; gnomAD exomes 0.00031 and 0.00009; gnomAD 0.00008 and 0.00009; ExAC 0.00031; TOPMed 0.00014.
gnomAD v4.1: 149 of 1,612,964 alleles (0.0092%); highest among the groups gnomAD compares: East Asian, 0.3%; 2 homozygotes.

Submissions (3):

Revvity Omics, Revvity
Classification: Uncertain significance. Last evaluated: 2025-05-30. Review status: criteria provided, single submitter. Criteria: ACMG Guidelines, 2015. Collection method: clinical testing. Allele origin: germline.

Illumina Laboratory Services, Illumina
Classification: Benign for Arthrogryposis, distal, type 1B. Last evaluated: 2018-01-13. Review status: criteria provided, single submitter. Criteria: ICSL Variant Classification Criteria 13 December 2019. Collection method: clinical testing. Allele origin: germline.
Comment: This variant was observed in the ICSL laboratory as part of a predisposition screen in an ostensibly healthy population. It had not been previously curated by ICSL or reported in the Human Gene Mutation Database (HGMD: prior to June 1st, 2018), and was therefore a candidate for classification through an automated scoring system. Utilizing variant allele frequency, disease prevalence and penetrance estimates, and inheritance mode, an automated score was calculated to assess if this variant is too frequent to cause the disease. Based on the score and internal cut-off values, a variant classified as benign is not then subjected to further curation. The score for this variant resulted in a classification of benign for this disease.

PreventionGenetics, part of Exact Sciences
Classification: Likely benign for MYBPC1-related condition. Last evaluated: 2019-08-08. Review status: no assertion criteria provided. Collection method: clinical testing. Allele origin: germline. Not counted in ClinVar's aggregate classification.
Comment: This variant is classified as likely benign based on ACMG/AMP sequence variant interpretation guidelines (Richards et al. 2015 PMID: 25741868, with internal and published modifications).